The following is an entry in ClinVar:

ClinVar aggregate classification (germline): Uncertain significance. Review status: criteria provided, multiple submitters, no conflicts (2 of 4 stars). 2 submissions from 2 submitters: Uncertain significance (2). Last evaluated 2025-07-18.

Conditions:
Hereditary cancer-predisposing syndrome. Also called: Tumor predisposition; Hereditary Cancer Syndrome; Hereditary neoplastic syndrome; Neoplastic Syndromes, Hereditary. Identifiers: Orphanet 140162, MedGen C0027672, MeSH D009386, MONDO:0015356.

Submissions (2):

Ambry Genetics
Classification: Uncertain significance for Hereditary cancer-predisposing syndrome. Last evaluated: 2025-07-18. Review status: criteria provided, single submitter. Criteria: Ambry Variant Classification Scheme 2023. Collection method: clinical testing. Allele origin: germline.
Comment: The c.2435A>G variant (also known as p.E812G), located in coding exon 17 of the MSH3 gene, results from an A to G substitution at nucleotide position 2435. The amino acid change results in glutamic acid to glycine at codon 812, an amino acid with similar properties. This amino acid position is not well conserved in available vertebrate species. In addition, the in silico prediction for this alteration is inconclusive. Based on the available evidence, the clinical significance of this variant remains unclear.

Labcorp Genetics (formerly Invitae), Labcorp
Classification: Uncertain significance. Last evaluated: 2024-09-23. Review status: criteria provided, single submitter. Criteria: Invitae Variant Classification Sherloc (09022015). Collection method: clinical testing. Allele origin: germline.
Comment: This sequence change replaces glutamic acid, which is acidic and polar, with glycine, which is neutral and non-polar, at codon 812 of the MSH3 protein (p.Glu812Gly). This variant is not present in population databases (gnomAD no frequency). This variant has not been reported in the literature in individuals affected with MSH3-related conditions. An algorithm developed to predict the effect of missense changes on protein structure and function (PolyPhen-2) suggests that this variant is likely to be tolerated. In summary, the available evidence is currently insufficient to determine the role of this variant in disease. Therefore, it has been classified as a Variant of Uncertain Significance.

NM_002439.5(MSH3):c.2435A>G (p.Glu812Gly)

Gene: MSH3 (mutS homolog 3; plus strand). Cytogenetic location: 5q14.1.
Variant type: single nucleotide variant.
Coding change: c.2435A>G on transcript NM_002439.5 (MANE Select); coding-DNA position 2435, A replaced by G.
Protein change: p.Glu812Gly; replaces glutamic acid 812 with glycine.
Molecular consequence: missense variant.
Genome position (GRCh38, 1-based): chr5:80,778,836, A>G. VCF-style: chr5-80778836-A-G. GRCh37 (hg19) VCF-style: chr5-80074655-A-G.
Other names: c.2435A>G (NM_002439.3); short protein forms E812G.
Identifiers: ClinVar variation 3721359 (VCV003721359.3).